The following is an entry in ClinVar:

NM_001105206.3(LAMA4):c.764G>A (p.Cys255Tyr)

Gene: LAMA4 (laminin subunit alpha 4; minus strand). Cytogenetic location: 6q21.
Variant type: single nucleotide variant.
Coding change: c.764G>A on transcript NM_001105206.3 (MANE Select); coding-DNA position 764, G replaced by A.
Protein change: p.Cys255Tyr; replaces cysteine 255 with tyrosine.
Molecular consequence: missense variant.
Genome position (GRCh38, 1-based): chr6:112,189,160, C>T on the plus strand (G>A on the coding strand, the complement: LAMA4 is on the minus strand). VCF-style: chr6-112189160-C-T. GRCh37 (hg19) VCF-style: chr6-112510362-C-T.
Other names: c.764G>A, p.Cys255Tyr (NM_001105207.3, NM_002290.5); c.764G>A (NM_002290.3); short protein forms C255Y.
Identifiers: ClinVar variation 1042011 (VCV001042011.10), dbSNP rs1554347691, ClinGen allele CA365376701.

ClinVar aggregate classification (germline): Uncertain significance. Review status: criteria provided, multiple submitters, no conflicts (2 of 4 stars). 2 submissions from 2 submitters: Uncertain significance (2). Last evaluated 2026-01-17.

Conditions:
Cardiovascular phenotype. Identifiers: MedGen CN230736.
Dilated cardiomyopathy 1JJ (CMD1JJ). Identifiers: Orphanet 154, MedGen C3808935, MONDO:0014095, OMIM 615235.

Allele frequency attached by ClinVar (database versions not stated): gnomAD exomes below 0.00001; TOPMed below 0.00001; gnomAD 0.00001.
gnomAD v4.1: 2 of 1,613,980 alleles (0.00012%); highest among the groups gnomAD compares: Non-Finnish European, 0.00017%; no homozygotes.

Submissions (2):

Ambry Genetics
Classification: Uncertain significance for Cardiovascular phenotype. Last evaluated: 2026-01-17. Review status: criteria provided, single submitter. Criteria: Ambry Variant Classification Scheme 2023. Collection method: clinical testing. Allele origin: germline.
Comment: The p.C255Y variant (also known as c.764G>A), located in coding exon 6 of the LAMA4 gene, results from a G to A substitution at nucleotide position 764. The cysteine at codon 255 is replaced by tyrosine, an amino acid with highly dissimilar properties. This amino acid position is conserved. In addition, this alteration is predicted to be deleterious by in silico analysis. Based on the available evidence, the clinical significance of this variant remains unclear.

Labcorp Genetics (formerly Invitae), Labcorp
Classification: Uncertain significance for Dilated cardiomyopathy 1JJ. Last evaluated: 2020-02-20. Review status: criteria provided, single submitter. Criteria: Invitae Variant Classification Sherloc (09022015). Collection method: clinical testing. Allele origin: germline.
Comment: In summary, the available evidence is currently insufficient to determine the role of this variant in disease. Therefore, it has been classified as a Variant of Uncertain Significance. Algorithms developed to predict the effect of missense changes on protein structure and function are either unavailable or do not agree on the potential impact of this missense change (SIFT: "Deleterious"; PolyPhen-2: "Probably Damaging"; Align-GVGD: "Class C0"). This variant has not been reported in the literature in individuals with LAMA4-related conditions. This variant is not present in population databases (ExAC no frequency). This sequence change replaces cysteine with tyrosine at codon 255 of the LAMA4 protein (p.Cys255Tyr). The cysteine residue is highly conserved and there is a large physicochemical difference between cysteine and tyrosine.